The following is an entry in ClinVar:

ClinVar aggregate classification (germline): Pathogenic (1 of 4 stars; one submission).

Conditions:
Retinitis pigmentosa 12 (RP12). Also called: RP WITH OR WITHOUT PRESERVED PARAARTERIOLE RETINAL PIGMENT EPITHELIUM; RETINITIS PIGMENTOSA WITH OR WITHOUT PARAARTERIOLAR PRESERVATION OF RETINAL PIGMENT EPITHELIUM; RP WITH OR WITHOUT PPRPE. Identifiers: Orphanet 791, MedGen C1838647, MONDO:0010818, OMIM 600105.

Submission:

3billion
Classification: Pathogenic for Retinitis pigmentosa 12. Last evaluated: 2025-12-18. Review status: criteria provided, single submitter. Criteria: ACMG Guidelines, 2015. Collection method: clinical testing. Allele origin: germline. Affected: yes.
Comment: The variant is not observed in the gnomAD v4.1.0 dataset. Predicted Consequence/Location: Canonical splice site: predicted to alter splicing and result in a loss or disruption of normal protein function. Multiple pathogenic loss-of-function variants are reported downstream of the variant. In silico tools predict the variant to alter splicing and produce an abnormal transcript [SpliceAI: 0.54 (spliceogenicity >=0.2, non-spliceogenicity <0.1)]. Therefore, this variant is classified as Pathogenic according to the recommendation of ACMG/AMP guideline.

NM_201253.3(CRB1):c.3750-1G>A

Gene: CRB1 (crumbs cell polarity complex component 1; plus strand). Cytogenetic location: 1q31.3.
Variant type: single nucleotide variant.
Coding change: c.3750-1G>A on transcript NM_201253.3 (MANE Select); the canonical splice acceptor site of the intron before coding-DNA position 3750, G replaced by A.
Molecular consequence: splice acceptor variant.
Genome position (GRCh38, 1-based): chr1:197,438,546, G>A. VCF-style: chr1-197438546-G-A. GRCh37 (hg19) VCF-style: chr1-197407676-G-A.
Other names: c.3678-1G>A (NM_001257965.2); c.2142-1G>A (NM_001257966.2); c.3414-1G>A (NM_001193640.2).
Identifiers: ClinVar variation 4855169 (VCV004855169.1).